The following is an entry in ClinVar:

NM_005097.4(LGI1):c.1187C>T (p.Thr396Met)

Gene: LGI1 (leucine rich glioma inactivated 1; plus strand). Cytogenetic location: 10q23.33.
Variant type: single nucleotide variant.
Coding change: c.1187C>T on transcript NM_005097.4 (MANE Select); coding-DNA position 1187, C replaced by T.
Protein change: p.Thr396Met; replaces threonine 396 with methionine.
Molecular consequence: missense variant. On other transcripts: non-coding transcript variant (1), intron variant (1).
Genome position (GRCh38, 1-based): chr10:93,797,316, C>T. VCF-style: chr10-93797316-C-T. GRCh37 (hg19) VCF-style: chr10-95557073-C-T.
Other names: c.1043C>T, p.Thr348Met (NM_001308276.2); c.839-433C>T (NM_001308275.2); c.1187C>T (NM_005097.3); short protein forms T348M, T396M.
Identifiers: ClinVar variation 1254177 (VCV001254177.11), dbSNP rs905576558, ClinGen allele CA211585669.

ClinVar aggregate classification (germline): Uncertain significance. Review status: criteria provided, multiple submitters, no conflicts (2 of 4 stars). 3 submissions from 3 submitters: Uncertain significance (3). Last evaluated 2026-07-17.

Conditions:
Autosomal dominant epilepsy with auditory features. Identifiers: Orphanet 101046, MedGen C1838062, MONDO:0010898.
LGI1-related disorder. Also called: LGI1-related condition.

Allele frequency attached by ClinVar (database versions not stated): gnomAD exomes below 0.00001.
gnomAD v4.1: 3 of 1,614,156 alleles (0.00019%); highest among the groups gnomAD compares: Admixed American, 0.0017%; no homozygotes.

Submissions (3):

PreventionGenetics, part of Exact Sciences
Classification: Uncertain significance for LGI1-related condition. Last evaluated: 2026-07-17. Review status: criteria provided, single submitter. Criteria: ACMG Guidelines, 2015. Collection method: clinical testing. Allele origin: germline.
Comment: The LGI1 c.1187C>T variant is predicted to result in the amino acid substitution p.Thr396Met. To our knowledge, this variant has not been reported in the literature or in a large population database (gnomAD), indicating this variant is rare. At this time, the clinical significance of this variant is uncertain due to the absence of conclusive functional and genetic evidence.

GeneDx
Classification: Uncertain significance. Last evaluated: 2021-07-30. Review status: criteria provided, single submitter. Criteria: GeneDx Variant Classification Process June 2021. Collection method: clinical testing. Allele origin: germline. Affected: yes.
Comment: Not observed in large population cohorts (Lek et al., 2016); In silico analysis, which includes protein predictors and evolutionary conservation, supports that this variant does not alter protein structure/function; Has not been previously published as pathogenic or benign to our knowledge

Labcorp Genetics (formerly Invitae), Labcorp
Classification: Uncertain significance for Autosomal dominant epilepsy with auditory features. Last evaluated: 2021-07-29. Review status: criteria provided, single submitter. Criteria: Invitae Variant Classification Sherloc (09022015). Collection method: clinical testing. Allele origin: germline.
Comment: Algorithms developed to predict the effect of missense changes on protein structure and function output the following: SIFT: "Tolerated"; PolyPhen-2: "Benign"; Align-GVGD: "Class C0". The methionine amino acid residue is found in multiple mammalian species, which suggests that this missense change does not adversely affect protein function. This variant has not been reported in the literature in individuals affected with LGI1-related conditions. This variant is not present in population databases (ExAC no frequency). This sequence change replaces threonine with methionine at codon 396 of the LGI1 protein (p.Thr396Met). The threonine residue is moderately conserved and there is a moderate physicochemical difference between threonine and methionine. In summary, the available evidence is currently insufficient to determine the role of this variant in disease. Therefore, it has been classified as a Variant of Uncertain Significance.